The following is an entry in ClinVar:

NM_015374.3(SUN2):c.31T>C (p.Tyr11His)

Gene: SUN2 (Sad1 and UNC84 domain containing 2; minus strand). Cytogenetic location: 22q13.1.
Variant type: single nucleotide variant.
Coding change: c.31T>C on transcript NM_015374.3 (MANE Select); coding-DNA position 31, T replaced by C.
Protein change: p.Tyr11His; replaces tyrosine 11 with histidine.
Molecular consequence: missense variant.
Genome position (GRCh38, 1-based): chr22:38,752,598, A>G on the plus strand (T>C on the coding strand, the complement: SUN2 is on the minus strand). VCF-style: chr22-38752598-A-G. GRCh37 (hg19) VCF-style: chr22-39148603-A-G.
Other names: c.31T>C, p.Tyr11His (NM_001199579.2, NM_001199580.2); c.31T>C (NM_015374.2); short protein forms Y11H.
Identifiers: ClinVar variation 1035641 (VCV001035641.9), dbSNP rs771840984, ClinGen allele CA10236127.

ClinVar aggregate classification (germline): Uncertain significance. Review status: criteria provided, multiple submitters, no conflicts (2 of 4 stars). 2 submissions from 2 submitters: Uncertain significance (2). Last evaluated 2025-12-23.

Conditions:
Emery-Dreifuss muscular dystrophy (EDMD). Also called: Scapuloperoneal syndrome, X-linked (formerly); Humeroperoneal neuromuscular disease, (formerly). Identifiers: Orphanet 261, MedGen C0410189, MONDO:0016830.

Allele frequency attached by ClinVar (database versions not stated): gnomAD exomes 0.00008 and 0.00010; gnomAD 0.00010 and 0.00011; TOPMed 0.00010; ExAC 0.00014.
gnomAD v4.1: 166 of 1,613,876 alleles (0.01%); highest among the groups gnomAD compares: Non-Finnish European, 0.012%; no homozygotes.

Submissions (2):

Labcorp Genetics (formerly Invitae), Labcorp
Classification: Uncertain significance for Emery-Dreifuss muscular dystrophy. Last evaluated: 2025-12-23. Review status: criteria provided, single submitter. Criteria: Invitae Variant Classification Sherloc (09022015). Collection method: clinical testing. Allele origin: germline.
Comment: This sequence change replaces tyrosine, which is neutral and polar, with histidine, which is basic and polar, at codon 11 of the SUN2 protein (p.Tyr11His). This variant is present in population databases (rs771840984, gnomAD 0.01%). This variant has not been reported in the literature in individuals affected with SUN2-related conditions. ClinVar contains an entry for this variant (Variation ID: 1035641). An algorithm developed to predict the effect of missense changes on protein structure and function (PolyPhen-2) suggests that this variant is likely to be disruptive. In summary, the available evidence is currently insufficient to determine the role of this variant in disease. Therefore, it has been classified as a Variant of Uncertain Significance.

Ambry Genetics
Classification: Uncertain significance. Last evaluated: 2021-08-17. Review status: criteria provided, single submitter. Criteria: Ambry Variant Classification Scheme 2023. Collection method: clinical testing. Allele origin: germline.